The following is an entry in ClinVar:

NM_001354712.2(THRB):c.213C>A (p.Asp71Glu)

Gene: THRB (thyroid hormone receptor beta; minus strand). Cytogenetic location: 3p24.2.
Variant type: single nucleotide variant.
Coding change: c.213C>A on transcript NM_001354712.2 (MANE Select); coding-DNA position 213, C replaced by A.
Protein change: p.Asp71Glu; replaces aspartic acid 71 with glutamic acid.
Molecular consequence: missense variant.
Genome position (GRCh38, 1-based): chr3:24,190,144, G>T on the plus strand (C>A on the coding strand, the complement: THRB is on the minus strand). VCF-style: chr3-24190144-G-T. GRCh37 (hg19) VCF-style: chr3-24231635-G-T.
Other names: c.213C>A (NM_001252634.1); c.213C>A, p.Asp71Glu (NM_000461.5, NM_001128176.3, NM_001128177.2 and 6 more transcripts); c.120C>A, p.Asp40Glu (NM_001354714.2, NM_001354715.2); short protein forms D71E, D40E.
Identifiers: ClinVar variation 344637 (VCV000344637.9), dbSNP rs141495471, ClinGen allele CA2287410.

ClinVar aggregate classification (germline): Conflicting classifications of pathogenicity. Review status: criteria provided, conflicting classifications (1 of 4 stars). 4 submissions from 4 submitters: Uncertain significance (2); Likely benign (2). Last evaluated 2024-04-12.

Conditions:
THRB-related disorder. Also called: THRB-related condition.
Thyroid hormone resistance, generalized, autosomal dominant (GRTHD). Also called: HYPERTHYROXINEMIA, FAMILIAL EUTHYROID, SECONDARY TO PITUITARY AND PERIPHERAL RESISTANCE TO THYROID HORMONES. Identifiers: MedGen C2937288, MONDO:0008569, OMIM 188570.

Allele frequency attached by ClinVar (database versions not stated): TOPMed 0.00013; gnomAD 0.00015 and 0.00016; 1000 Genomes Project 30x 0.00016; ExAC 0.00016; gnomAD exomes 0.00017 and 0.00021; 1000 Genomes Project 0.00020.
gnomAD v4.1: 278 of 1,614,054 alleles (0.017%); highest among the groups gnomAD compares: Admixed American, 0.068%; no homozygotes.

Submissions (4):

Blueprint Genetics
Classification: Likely benign. Last evaluated: 2024-04-12. Review status: criteria provided, single submitter. Criteria: ACMG Guidelines, 2015. Collection method: clinical testing. Allele origin: germline.

PreventionGenetics, part of Exact Sciences
Classification: Uncertain significance for THRB-related condition. Last evaluated: 2023-09-29. Review status: criteria provided, single submitter. Criteria: ACMG Guidelines, 2015. Collection method: clinical testing. Allele origin: germline.
Comment: The THRB c.213C>A variant is predicted to result in the amino acid substitution p.Asp71Glu. To our knowledge, this variant has not been reported in the literature in association with a disease phenotype. It has been reported in ClinVar as uncertain and likely benign (Table 2, Concolino et al. 2019. PubMed ID: 30976996). This variant is reported in 0.090% of alleles in individuals of Latino descent in gnomAD. At this time, the clinical significance of this variant is uncertain due to the absence of conclusive functional and genetic evidence.

Quest Diagnostics Nichols Institute San Juan Capistrano
Classification: Uncertain significance. Last evaluated: 2020-09-30. Review status: criteria provided, single submitter. Criteria: Quest Diagnostics criteria. Collection method: clinical testing. Allele origin: unknown.

Illumina Laboratory Services, Illumina
Classification: Likely benign for Thyroid hormone resistance, generalized, autosomal dominant. Last evaluated: 2018-01-13. Review status: criteria provided, single submitter. Criteria: ICSL Variant Classification Criteria 13 December 2019. Collection method: clinical testing. Allele origin: germline.
Comment: This variant was observed in the ICSL laboratory as part of a predisposition screen in an ostensibly healthy population. It had not been previously curated by ICSL or reported in the Human Gene Mutation Database (HGMD: prior to June 1st, 2018), and was therefore a candidate for classification through an automated scoring system. Utilizing variant allele frequency, disease prevalence and penetrance estimates, and inheritance mode, an automated score was calculated to assess if this variant is too frequent to cause the disease. Based on the score and internal cut-off values, a variant classified as likely benign is not then subjected to further curation. The score for this variant resulted in a classification of likely benign for this disease.

Literature cited by the submitters: PubMed 30976996 (cited by Quest Diagnostics Nichols Institute San Juan Capistrano).